The following is an entry in ClinVar:

NM_015164.4(PLEKHM2):c.416T>C (p.Phe139Ser)

Gene: PLEKHM2 (pleckstrin homology and RUN domain containing M2; plus strand). Cytogenetic location: 1p36.21.
Variant type: single nucleotide variant.
Coding change: c.416T>C on transcript NM_015164.4 (MANE Select); coding-DNA position 416, T replaced by C.
Protein change: p.Phe139Ser; replaces phenylalanine 139 with serine.
Molecular consequence: missense variant.
Genome position (GRCh38, 1-based): chr1:15,718,576, T>C. VCF-style: chr1-15718576-T-C. GRCh37 (hg19) VCF-style: chr1-16045071-T-C.
Other names: short protein forms F139S.
Identifiers: ClinVar variation 1424209 (VCV001424209.8), dbSNP rs1641494441, ClinGen allele CA338579693.

ClinVar aggregate classification (germline): Uncertain significance (1 of 4 stars; one submission).

Submission:

Labcorp Genetics (formerly Invitae), Labcorp
Classification: Uncertain significance. Last evaluated: 2021-02-01. Review status: criteria provided, single submitter. Criteria: Invitae Variant Classification Sherloc (09022015). Collection method: clinical testing. Allele origin: germline.
Comment: In summary, the available evidence is currently insufficient to determine the role of this variant in disease. Therefore, it has been classified as a Variant of Uncertain Significance. Algorithms developed to predict the effect of missense changes on protein structure and function (SIFT, PolyPhen-2, Align-GVGD) all suggest that this variant is likely to be disruptive, but these predictions have not been confirmed by published functional studies and their clinical significance is uncertain. This variant has not been reported in the literature in individuals with PLEKHM2-related conditions. This variant is not present in population databases (ExAC no frequency). This sequence change replaces phenylalanine with serine at codon 139 of the PLEKHM2 protein (p.Phe139Ser). The phenylalanine residue is highly conserved and there is a large physicochemical difference between phenylalanine and serine.